The following is an entry in ClinVar:

NM_014112.5(TRPS1):c.3430G>A (p.Val1144Met)

Gene: TRPS1 (transcriptional repressor GATA binding 1; minus strand). Cytogenetic location: 8q23.3.
Variant type: single nucleotide variant.
Coding change: c.3430G>A on transcript NM_014112.5 (MANE Select); coding-DNA position 3430, G replaced by A.
Protein change: p.Val1144Met; replaces valine 1144 with methionine.
Molecular consequence: missense variant.
Genome position (GRCh38, 1-based): chr8:115,414,478, C>T on the plus strand (G>A on the coding strand, the complement: TRPS1 is on the minus strand). VCF-style: chr8-115414478-C-T. GRCh37 (hg19) VCF-style: chr8-116426706-C-T.
Other names: c.3403G>A, p.Val1135Met (NM_001282902.3); c.3409G>A, p.Val1137Met (NM_001282903.3); c.3391G>A, p.Val1131Met (NM_001330599.2); short protein forms V1137M, V1144M, V1131M, V1135M.
Identifiers: ClinVar variation 4792229 (VCV004792229.1).

ClinVar aggregate classification (germline): Uncertain significance (1 of 4 stars; one submission).

Conditions:
Trichorhinophalangeal dysplasia type I (TRPS1). Also called: TRICHORHINOPHALANGEAL SYNDROME, TYPE I; TRPS I. Identifiers: Orphanet 77258, MedGen C0432233, MONDO:0008596, OMIM 190350.
Trichorhinophalangeal syndrome, type III (TRPS3). Also called: SUGIO-KAJII SYNDROME. Identifiers: Orphanet 77258, MedGen C1860823, OMIM 190351, MONDO:0008597.

gnomAD v4.1: 6 of 1,613,774 alleles (0.00037%); highest among the groups gnomAD compares: Non-Finnish European, 0.00042%; no homozygotes.

Submission:

Labcorp Genetics (formerly Invitae), Labcorp
Classification: Uncertain significance for Trichorhinophalangeal syndrome, type III; Trichorhinophalangeal dysplasia type I. Last evaluated: 2025-10-09. Review status: criteria provided, single submitter. Criteria: Invitae Variant Classification Sherloc (09022015). Collection method: clinical testing. Allele origin: germline.
Comment: This sequence change replaces valine, which is neutral and non-polar, with methionine, which is neutral and non-polar, at codon 1144 of the TRPS1 protein (p.Val1144Met). This variant is present in population databases (no rsID available, gnomAD 0.0009%). This variant has not been reported in the literature in individuals affected with TRPS1-related conditions. Invitae Evidence Modeling of protein sequence and biophysical properties (such as structural, functional, and spatial information, amino acid conservation, physicochemical variation, residue mobility, and thermodynamic stability) indicates that this missense variant is not expected to disrupt TRPS1 protein function with a negative predictive value of 80%. In summary, the available evidence is currently insufficient to determine the role of this variant in disease. Therefore, it has been classified as a Variant of Uncertain Significance.